The following is an entry in ClinVar:

ClinVar aggregate classification (germline): Pathogenic (1 of 4 stars; one submission).

Conditions:
BAP1-related tumor predisposition syndrome (TPDS1). Also called: BAP1 tumor predisposition syndrome; Tumor susceptibility linked to germline BAP1 mutations; COMMON Syndrome; TUMOR PREDISPOSITION SYNDROME 1. Identifiers: Orphanet 289539, MedGen C3280492, MONDO:0013692, OMIM 614327.

Submission:

Myriad Genetics, Inc.
Classification: Pathogenic for BAP1-related tumor predisposition syndrome. Last evaluated: 2023-05-17. Review status: criteria provided, single submitter. Criteria: Myriad Autosomal Dominant, Autosomal Recessive and X-Linked Classification Criteria (2023). Collection method: clinical testing. Allele origin: unknown.
Comment: This variant is considered pathogenic. This variant creates a termination codon and is predicted to result in premature protein truncation.

NM_004656.4(BAP1):c.634G>T (p.Glu212Ter)

Gene: BAP1 (BRCA1 associated deubiquitinase 1; minus strand). Cytogenetic location: 3p21.1.
Variant type: single nucleotide variant.
Coding change: c.634G>T on transcript NM_004656.4 (MANE Select); coding-DNA position 634, G replaced by T.
Protein change: p.Glu212Ter; replaces glutamic acid 212 with a stop codon.
Molecular consequence: nonsense.
Genome position (GRCh38, 1-based): chr3:52,406,854, C>A on the plus strand (G>T on the coding strand, the complement: BAP1 is on the minus strand). VCF-style: chr3-52406854-C-A. GRCh37 (hg19) VCF-style: chr3-52440870-C-A.
Other names: c.634G>T, p.Glu212Ter (NM_001410772.1); short protein forms E212*.
Identifiers: ClinVar variation 2583555 (VCV002583555.2), dbSNP rs2153227636, ClinGen allele CA353108893.